The following is an entry in ClinVar:

NM_004944.4(DNASE1L3):c.768C>A (p.Asp256Glu)

Gene: DNASE1L3 (deoxyribonuclease 1L3; minus strand). Cytogenetic location: 3p14.3.
Variant type: single nucleotide variant.
Coding change: c.768C>A on transcript NM_004944.4 (MANE Select); coding-DNA position 768, C replaced by A.
Protein change: p.Asp256Glu; replaces aspartic acid 256 with glutamic acid.
Molecular consequence: missense variant.
Genome position (GRCh38, 1-based): chr3:58,193,376, G>T on the plus strand (C>A on the coding strand, the complement: DNASE1L3 is on the minus strand). VCF-style: chr3-58193376-G-T. GRCh37 (hg19) VCF-style: chr3-58179103-G-T.
Other names: c.678C>A, p.Asp226Glu (NM_001256560.2); short protein forms D256E, D226E.
Identifiers: ClinVar variation 1996832 (VCV001996832.4), dbSNP rs1575494468, ClinGen allele CA353337701.
Genomic context (GRCh38, chr3:58,193,376, plus strand): 5'-CATAGAAAGACAAGATGGCAACCTTACCTCCTCTTCAGTCAGCTTGTAAGCTTTCTGGAA[G>T]TCAAAAACACTGTTTGACTTGGGAACAACAGAACTGACGATTTCTTGTCCTCTAAGCACA-3'
Protein context (NP_004935.1, residues 246-266): SVVPKSNSVF[Asp256Glu]FQKAYKLTEE

ClinVar aggregate classification (germline): Uncertain significance (1 of 4 stars; one submission).

gnomAD v4.1: 9 of 1,614,118 alleles (0.00056%); highest among the groups gnomAD compares: Non-Finnish European, 0.00076%; no homozygotes.

Submission:

Labcorp Genetics (formerly Invitae), Labcorp
Classification: Uncertain significance. Last evaluated: 2023-07-17. Review status: criteria provided, single submitter. Criteria: Invitae Variant Classification Sherloc (09022015). Collection method: clinical testing. Allele origin: germline.
Comment: An algorithm developed to predict the effect of missense changes on protein structure and function (PolyPhen-2) suggests that this variant is likely to be disruptive. In summary, the available evidence is currently insufficient to determine the role of this variant in disease. Therefore, it has been classified as a Variant of Uncertain Significance. ClinVar contains an entry for this variant (Variation ID: 1996832). This sequence change replaces aspartic acid, which is acidic and polar, with glutamic acid, which is acidic and polar, at codon 256 of the DNASE1L3 protein (p.Asp256Glu). This variant is not present in population databases (gnomAD no frequency). This variant has not been reported in the literature in individuals affected with DNASE1L3-related conditions.